The following is an entry in ClinVar:

ClinVar aggregate classification (germline): Pathogenic. Review status: criteria provided, multiple submitters, no conflicts (2 of 4 stars). 2 submissions from 2 submitters: Pathogenic (2). Last evaluated 2024-05-14.

Conditions:
Glycogen storage disease, type V (GSD5). Also called: McArdle type glycogen storage disease; MCARDLE DISEASE; MUSCLE GLYCOGEN PHOSPHORYLASE DEFICIENCY; MYOPHOSPHORYLASE DEFICIENCY; PYGM DEFICIENCY. Identifiers: Orphanet 368, MedGen C0017924, MONDO:0009293, OMIM 232600.

Submissions (2):

Myriad Genetics, Inc.
Classification: Pathogenic for Glycogen storage disease, type V. Last evaluated: 2024-05-14. Review status: criteria provided, single submitter. Criteria: Myriad Autosomal Dominant, Autosomal Recessive and X-Linked Classification Criteria (2023). Collection method: clinical testing. Allele origin: unknown.
Comment: NM_005609.2(PYGM):c.2113_2114delGG(G705Rfs*16) is expected to be pathogenic in the context of glycogen storage disease, PYGM-related. This variant is predicted to lead to an abnormal or absent protein product due to the creation of a premature termination codon in PYGM, a gene where loss-of-function variants are known to be pathogenic. Please note: this variant was assessed in the context of healthy population screening.

Laboratory of Medical Genetics, National & Kapodistrian University of Athens
Classification: Pathogenic for Glycogen storage disease, type V. Last evaluated: 2021-10-01. Review status: criteria provided, single submitter. Criteria: ACMG Guidelines, 2015. Collection method: clinical testing. Allele origin: unknown. Affected: yes.
Comment: PVS1, PM2, PP3

Literature cited by the submitters: PubMed 34008892 (cited by Laboratory of Medical Genetics, National & Kapodistrian University of Athens).

NM_005609.4(PYGM):c.2113_2114del (p.Gly705fs)

Gene: PYGM (glycogen phosphorylase, muscle associated; minus strand). Cytogenetic location: 11q13.1.
Variant type: Deletion.
Coding change: c.2113_2114del on transcript NM_005609.4 (MANE Select); coding-DNA positions 2113 to 2114, 2 bases deleted (GG; older notation c.2113_2114delGG).
Protein change: p.Gly705fs; shifts the reading frame from glycine 705.
Molecular consequence: frameshift variant.
Genome position (GRCh38, 1-based): chr11:64,750,439-64,750,440, CC deleted on the plus strand (GG on the coding strand, the reverse complement: PYGM is on the minus strand); deleting any 2 consecutive bases within chr11:64,750,439-64,750,441 gives the same sequence; the c. name uses the placement nearest the transcript's 3' end. VCF-style (leftmost placement, unchanged base first): chr11-64750438-TCC-T. GRCh37 (hg19) VCF-style: chr11-64517910-TCC-T.
Other names: c.1849_1850del, p.Gly617fs (NM_001164716.1); short protein forms G617fs, G705fs.
Identifiers: ClinVar variation 1299506 (VCV001299506.2), dbSNP rs2058347214, ClinGen allele CA938864464.